The following is an entry in ClinVar:

NM_004373.4(COX6A1):c.249G>A (p.Pro83=)

Gene: COX6A1 (cytochrome c oxidase subunit 6A1; plus strand). Cytogenetic location: 12q24.31.
Variant type: single nucleotide variant.
Coding change: c.249G>A on transcript NM_004373.4 (MANE Select); coding-DNA position 249, G replaced by A.
Protein change: p.Pro83=; no amino-acid change (proline 83 retained).
Molecular consequence: synonymous variant.
Genome position (GRCh38, 1-based): chr12:120,440,456, G>A. VCF-style: chr12-120440456-G-A. GRCh37 (hg19) VCF-style: chr12-120878259-G-A.
Identifiers: ClinVar variation 385439 (VCV000385439.15), dbSNP rs146125922, ClinGen allele CA6828057.

ClinVar aggregate classification (germline): Benign/Likely benign. Review status: criteria provided, multiple submitters, no conflicts (2 of 4 stars). 4 submissions from 4 submitters: Benign (1); Likely benign (2). 1 of the submissions does not count toward it. Last evaluated 2025-02-03.

Conditions:
COX6A1-related disorder. Also called: COX6A1-related condition.

Allele frequency attached by ClinVar (database versions not stated): gnomAD exomes 0.00006 and 0.00016; ExAC 0.00019; ESP Exome Variant Server 0.00031; gnomAD 0.00050 and 0.00056; TOPMed 0.00059.
gnomAD v4.1: 170 of 1,611,288 alleles (0.011%); highest among the groups gnomAD compares: African/African-American, 0.17%; no homozygotes.

Submissions (4):

Labcorp Genetics (formerly Invitae), Labcorp
Classification: Benign. Last evaluated: 2025-02-03. Review status: criteria provided, single submitter. Criteria: Invitae Variant Classification Sherloc (09022015). Collection method: clinical testing. Allele origin: germline.

Blueprint Genetics
Classification: Likely benign. Last evaluated: 2022-11-24. Review status: criteria provided, single submitter. Criteria: ACMG Guidelines, 2015. Collection method: clinical testing. Allele origin: germline.

GeneDx
Classification: Likely benign. Last evaluated: 2020-01-22. Review status: criteria provided, single submitter. Criteria: GeneDx Variant Classification Process June 2021. Collection method: clinical testing. Allele origin: germline. Affected: yes.

PreventionGenetics, part of Exact Sciences
Classification: Likely benign for COX6A1-related condition. Last evaluated: 2019-11-11. Review status: no assertion criteria provided. Collection method: clinical testing. Allele origin: germline. Not counted in ClinVar's aggregate classification.
Comment: This variant is classified as likely benign based on ACMG/AMP sequence variant interpretation guidelines (Richards et al. 2015 PMID: 25741868, with internal and published modifications).